The following is an entry in ClinVar:

ClinVar aggregate classification (germline): Uncertain significance (1 of 4 stars; one submission).

Conditions:
Neurodevelopmental disorder. Identifiers: MedGen C1535926, MeSH D065886, MONDO:0700092.

Submission:

Victorian Clinical Genetics Services, Murdoch Childrens Research Institute
Classification: Uncertain significance for Neurodevelopmental disorder. Last evaluated: 2025-02-20. Review status: criteria provided, single submitter. Criteria: ACMG Guidelines, 2015. Collection method: clinical testing. Allele origin: germline. Affected: yes.
Comment: This variant is classified as VUS-3A. Evidence in support of pathogenic classification: Variant is absent from gnomAD (v2, v3 and v4); Missense variant predicted to be damaging by in silico tool(s) or highly conserved with a major amino acid change; Additional information: Variant is predicted to result in a missense amino acid change from arginine to leucine; This variant is heterozygous; This gene is associated with autosomal dominant disease; Alternative amino acid change(s) at the same position are present in gnomAD (highest alelle count: v4: 3 heterozygote(s), 0 homozygote(s)); This variant has no previous evidence of pathogenicity; No published segregation evidence has been identified for this variant; No published functional evidence has been identified for this variant; No comparable missense variants have previous evidence for pathogenicity; Variant is located in the annotated CAF1B/HIR1 beta-propeller domain (DECIPHER); Loss of function is a known mechanism of disease in this gene and is associated with neurodevelopmental disorder (MONDO:0700092), HIRA-related (PMIDs: 33417013, 38511226, 25363760).

Literature cited by the submitters: PubMed 38511226; PubMed 33417013; PubMed 25363760.

NM_003325.4(HIRA):c.920G>T (p.Arg307Leu)

Gene: HIRA (histone cell cycle regulator; minus strand). Cytogenetic location: 22q11.21.
Variant type: single nucleotide variant.
Coding change: c.920G>T on transcript NM_003325.4 (MANE Select); coding-DNA position 920, G replaced by T.
Protein change: p.Arg307Leu; replaces arginine 307 with leucine.
Molecular consequence: missense variant.
Genome position (GRCh38, 1-based): chr22:19,392,117, C>A on the plus strand (G>T on the coding strand, the complement: HIRA is on the minus strand). VCF-style: chr22-19392117-C-A. GRCh37 (hg19) VCF-style: chr22-19379640-C-A.
Other names: short protein forms R307L.
Identifiers: ClinVar variation 4531813 (VCV004531813.1).